The following is an entry in ClinVar:

NM_006842.3(SF3B2):c.1990G>C (p.Gly664Arg)

Gene: SF3B2 (splicing factor 3b subunit 2; plus strand). Cytogenetic location: 11q13.1.
Variant type: single nucleotide variant.
Coding change: c.1990G>C on transcript NM_006842.3 (MANE Select); coding-DNA position 1990, G replaced by C.
Protein change: p.Gly664Arg; replaces glycine 664 with arginine.
Molecular consequence: missense variant.
Genome position (GRCh38, 1-based): chr11:66,063,021, G>C. VCF-style: chr11-66063021-G-C. GRCh37 (hg19) VCF-style: chr11-65830492-G-C.
Other names: short protein forms G664R.
Identifiers: ClinVar variation 3897493 (VCV003897493.1).

ClinVar aggregate classification (germline): Uncertain significance (1 of 4 stars; one submission).

Submission:

GeneDx
Classification: Uncertain significance. Last evaluated: 2024-11-04. Review status: criteria provided, single submitter. Criteria: GeneDx Variant Classification Process June 2021. Collection method: clinical testing. Allele origin: germline. Affected: yes.
Comment: In silico analysis supports that this missense variant has a deleterious effect on protein structure/function; Not observed at significant frequency in large population cohorts (gnomAD); Has not been previously published as pathogenic or benign to our knowledge